The following is an entry in ClinVar:

NM_000038.6(APC):c.782A>G (p.Asn261Ser)

Gene: APC (APC regulator of Wnt signaling pathway; plus strand). Cytogenetic location: 5q22.2.
Variant type: single nucleotide variant.
Coding change: c.782A>G on transcript NM_000038.6 (MANE Select); coding-DNA position 782, A replaced by G.
Protein change: p.Asn261Ser; replaces asparagine 261 with serine.
Molecular consequence: missense variant. On other transcripts: 5 prime UTR variant (1).
Genome position (GRCh38, 1-based): chr5:112,801,331, A>G. VCF-style: chr5-112801331-A-G. GRCh37 (hg19) VCF-style: chr5-112137028-A-G.
Other names: c.782A>G, p.Asn261Ser (NM_001127510.3, NM_001354895.2, NM_001354896.2 and 1 more transcripts); c.728A>G, p.Asn243Ser (NM_001127511.3); c.812A>G, p.Asn271Ser (NM_001354897.2, NM_001354902.2); c.707A>G, p.Asn236Ser (NM_001354898.2, NM_001354904.2); c.698A>G, p.Asn233Ser (NM_001354899.2); c.605A>G, p.Asn202Ser (NM_001354900.2, NM_001354901.2, NM_001354905.2); c.-254A>G (NM_001354906.2); c.782A>G (NM_000038.5); short protein forms N202S, N233S, N236S, N243S, N261S, N271S.
Identifiers: ClinVar variation 1019027 (VCV001019027.11), dbSNP rs1760800212, ClinGen allele CA16023041.
Genomic context (GRCh38, chr5:112,801,331, plus strand): 5'-CTTAACAGAGGTCATCTCAGAACAAGCATGAAACCGGCTCACATGATGCTGAGCGGCAGA[A>G]TGAAGGTCAAGGAGTGGGAGAAATCAACATGGCAACTTCTGGTAATGGTCAGGTAAATAA-3'
Protein context (NP_000029.2, residues 251-271): ETGSHDAERQ[Asn261Ser]EGQGVGEINM

ClinVar aggregate classification (germline): Uncertain significance. Review status: criteria provided, multiple submitters, no conflicts (2 of 4 stars). 2 submissions from 2 submitters: Uncertain significance (2). Last evaluated 2024-01-31.

Conditions:
Hereditary cancer-predisposing syndrome. Also called: Tumor predisposition; Neoplastic Syndromes, Hereditary; Hereditary neoplastic syndrome; Hereditary Cancer Syndrome. Identifiers: Orphanet 140162, MedGen C0027672, MeSH D009386, MONDO:0015356.
Familial adenomatous polyposis 1 (FAP1). Also called: POLYPOSIS, ADENOMATOUS INTESTINAL; FAMILIAL ADENOMATOUS POLYPOSIS 1, ATTENUATED. Identifiers: MedGen C2713442, MONDO:0021056, OMIM 175100. Disease mechanism: loss of function.

Submissions (2):

Ambry Genetics
Classification: Uncertain significance for Hereditary cancer-predisposing syndrome. Last evaluated: 2024-01-31. Review status: criteria provided, single submitter. Criteria: Ambry Variant Classification Scheme 2023. Collection method: clinical testing. Allele origin: germline.
Comment: The p.N261S variant (also known as c.782A>G), located in coding exon 7 of the APC gene, results from an A to G substitution at nucleotide position 782. The asparagine at codon 261 is replaced by serine, an amino acid with highly similar properties. This amino acid position is conserved. In addition, in silico predictors for this gene do not accurately predict pathogenicity. Based on the available evidence, the clinical significance of this alteration remains unclear.

Labcorp Genetics (formerly Invitae), Labcorp
Classification: Uncertain significance for Familial adenomatous polyposis 1. Last evaluated: 2020-08-29. Review status: criteria provided, single submitter. Criteria: Invitae Variant Classification Sherloc (09022015). Collection method: clinical testing. Allele origin: germline.
Comment: This sequence change replaces asparagine with serine at codon 261 of the APC protein (p.Asn261Ser). The asparagine residue is moderately conserved and there is a small physicochemical difference between asparagine and serine. This variant is not present in population databases (ExAC no frequency). This variant has not been reported in the literature in individuals with APC-related conditions. Algorithms developed to predict the effect of missense changes on protein structure and function output the following: SIFT: "Tolerated"; PolyPhen-2: "Benign"; Align-GVGD: "Class C0". The serine amino acid residue is found in multiple mammalian species, suggesting that this missense change does not adversely affect protein function. These predictions have not been confirmed by published functional studies and their clinical significance is uncertain. In summary, the available evidence is currently insufficient to determine the role of this variant in disease. Therefore, it has been classified as a Variant of Uncertain Significance.